The following is an entry in ClinVar:

ClinVar aggregate classification (germline): Likely benign (1 of 4 stars; one submission).

Allele frequency attached by ClinVar (database versions not stated): 1000 Genomes Project 0.00499; 1000 Genomes Project 30x 0.00515; TOPMed 0.00893; gnomAD 0.00967 and 0.00982.
gnomAD v4.1: 1,498 of 152,174 alleles (0.98%); highest among the groups gnomAD compares: South Asian, 1.7%; 10 homozygotes.

Submission:

GeneDx
Classification: Likely benign. Last evaluated: 2018-06-19. Review status: criteria provided, single submitter. Criteria: GeneDx Variant Classification (06012015). Collection method: clinical testing. Allele origin: germline. Affected: yes.
Comment: This variant is considered likely benign or benign based on one or more of the following criteria: it is a conservative change, it occurs at a poorly conserved position in the protein, it is predicted to be benign by multiple in silico algorithms, and/or has population frequency not consistent with disease.

NM_001999.4(FBN2):c.254+322G>A

Gene: FBN2 (fibrillin 2; minus strand). Cytogenetic location: 5q23.3.
Variant type: single nucleotide variant.
Coding change: c.254+322G>A on transcript NM_001999.4 (MANE Select); 322 bases into the intron after coding-DNA position 254, G replaced by A.
Molecular consequence: intron variant.
Genome position (GRCh38, 1-based): chr5:128,537,028, C>T on the plus strand (G>A on the coding strand, the complement: FBN2 is on the minus strand). VCF-style: chr5-128537028-C-T. GRCh37 (hg19) VCF-style: chr5-127872721-C-T.
Identifiers: ClinVar variation 669764 (VCV000669764.1), dbSNP rs567063128, ClinGen allele CA127058395.